The following is an entry in ClinVar:

NM_003000.3(SDHB):c.11T>C (p.Val4Ala)

Gene: SDHB (succinate dehydrogenase complex iron sulfur subunit B; minus strand). Cytogenetic location: 1p36.13.
Variant type: single nucleotide variant.
Coding change: c.11T>C on transcript NM_003000.3 (MANE Select); coding-DNA position 11, T replaced by C.
Protein change: p.Val4Ala; replaces valine 4 with alanine.
Molecular consequence: missense variant.
Genome position (GRCh38, 1-based): chr1:17,054,009, A>G on the plus strand (T>C on the coding strand, the complement: SDHB is on the minus strand). VCF-style: chr1-17054009-A-G. GRCh37 (hg19) VCF-style: chr1-17380504-A-G.
Other names: c.11T>C, p.Val4Ala (NM_001407361.1); short protein forms V4A.
Identifiers: ClinVar variation 3223002 (VCV003223002.3), dbSNP rs776656866, ClinGen allele CA338230868.
Genomic context (GRCh38, chr1:17,054,009, plus strand): 5'-TGCAGGCAGGCTCCGCCAAGGGTTGTGGCCGGCAACCGGCGCCTCAAGGAGAGGGCGACC[A>G]CCGCCGCCATCTTGGCTCCTGACGTCAGCCCCACCCCTTAACCCCGAGGTCGCTCTCCGC-3'
Protein context (NP_002991.2, residues 1-14): MAA[Val4Ala]VALSLRRRLP

ClinVar aggregate classification (germline): Uncertain significance. Review status: criteria provided, multiple submitters, no conflicts (2 of 4 stars). 2 submissions from 2 submitters: Uncertain significance (2). Last evaluated 2024-08-22.

Conditions:
Hereditary cancer-predisposing syndrome. Also called: Neoplastic Syndromes, Hereditary; Tumor predisposition; Hereditary Cancer Syndrome; Hereditary neoplastic syndrome. Identifiers: Orphanet 140162, MedGen C0027672, MeSH D009386, MONDO:0015356.
Pheochromocytoma. Also called: MAX-Related Hereditary Paraganglioma-Pheochromocytoma Syndrome. Identifiers: Orphanet 29072, MedGen C0031511, MONDO:0008233, OMIM 171300, HP:0002666.
Gastrointestinal stromal tumor. Also called: Gastrointestinal stromal tumor, somatic; Gastrointestinal stroma tumor. Identifiers: Orphanet 44890, MedGen C0238198, MeSH D046152, MONDO:0011719, OMIM 606764, HP:0100723.
Pheochromocytoma/paraganglioma syndrome 4. Also called: CAROTID BODY TUMORS AND MULTIPLE EXTRAADRENAL PHEOCHROMOCYTOMAS; PARAGANGLIOMA, FAMILIAL MALIGNANT; PARAGANGLIOMAS, HEREDITARY EXTRAADRENAL; PHEOCHROMOCYTOMA, FAMILIAL EXTRAADRENAL; Paragangliomas 4; SDHB-Related Hereditary Paraganglioma-Pheochromocytoma Syndrome (Paragangliomas 4). Identifiers: Orphanet 29072, MedGen C1861848, MONDO:0007273, OMIM 115310.

Submissions (2):

Labcorp Genetics (formerly Invitae), Labcorp
Classification: Uncertain significance for Gastrointestinal stromal tumor; Pheochromocytoma/paraganglioma syndrome 4; Pheochromocytoma. Last evaluated: 2024-08-22. Review status: criteria provided, single submitter. Criteria: Invitae Variant Classification Sherloc (09022015). Collection method: clinical testing. Allele origin: germline.
Comment: This sequence change replaces valine, which is neutral and non-polar, with alanine, which is neutral and non-polar, at codon 4 of the SDHB protein (p.Val4Ala). This variant is not present in population databases (gnomAD no frequency). This variant has not been reported in the literature in individuals affected with SDHB-related conditions. Invitae Evidence Modeling of protein sequence and biophysical properties (such as structural, functional, and spatial information, amino acid conservation, physicochemical variation, residue mobility, and thermodynamic stability) indicates that this missense variant is not expected to disrupt SDHB protein function with a negative predictive value of 95%. In summary, the available evidence is currently insufficient to determine the role of this variant in disease. Therefore, it has been classified as a Variant of Uncertain Significance.

Ambry Genetics
Classification: Uncertain significance for Hereditary cancer-predisposing syndrome. Last evaluated: 2024-01-23. Review status: criteria provided, single submitter. Criteria: Ambry Variant Classification Scheme 2023. Collection method: clinical testing. Allele origin: germline.
Comment: The p.V4A variant (also known as c.11T>C), located in coding exon 1 of the SDHB gene, results from a T to C substitution at nucleotide position 11. The valine at codon 4 is replaced by alanine, an amino acid with similar properties. This amino acid position is conserved. In addition, this alteration is predicted to be tolerated by in silico analysis. Based on the available evidence, the clinical significance of this alteration remains unclear.